The following is an entry in ClinVar:

ClinVar aggregate classification (germline): Uncertain significance (1 of 4 stars; one submission).

Allele frequency attached by ClinVar (database versions not stated): TOPMed 0.00002; gnomAD 0.00003 and 0.00004.

Submission:

Labcorp Genetics (formerly Invitae), Labcorp
Classification: Uncertain significance. Last evaluated: 2022-02-05. Review status: criteria provided, single submitter. Criteria: Invitae Variant Classification Sherloc (09022015). Collection method: clinical testing. Allele origin: germline.
Comment: In summary, the available evidence is currently insufficient to determine the role of this variant in disease. Therefore, it has been classified as a Variant of Uncertain Significance. Algorithms developed to predict the effect of missense changes on protein structure and function are either unavailable or do not agree on the potential impact of this missense change (SIFT: "Tolerated"; PolyPhen-2: "Possibly Damaging"; Align-GVGD: "Class C0"). This variant has not been reported in the literature in individuals affected with SPARC-related conditions. This variant is present in population databases (no rsID available, gnomAD 0.02%). This sequence change replaces alanine, which is neutral and non-polar, with serine, which is neutral and polar, at codon 12 of the SPARC protein (p.Ala12Ser).

NM_003118.4(SPARC):c.34G>T (p.Ala12Ser)

Gene: SPARC (secreted protein acidic and cysteine rich; minus strand). Cytogenetic location: 5q33.1.
Variant type: single nucleotide variant.
Coding change: c.34G>T on transcript NM_003118.4 (MANE Select); coding-DNA position 34, G replaced by T.
Protein change: p.Ala12Ser; replaces alanine 12 with serine.
Molecular consequence: missense variant.
Genome position (GRCh38, 1-based): chr5:151,676,155, C>A on the plus strand (G>T on the coding strand, the complement: SPARC is on the minus strand). VCF-style: chr5-151676155-C-A. GRCh37 (hg19) VCF-style: chr5-151055716-C-A.
Other names: c.34G>T, p.Ala12Ser (NM_001309443.2, NM_001309444.2); short protein forms A12S.
Identifiers: ClinVar variation 1372440 (VCV001372440.8), dbSNP rs1020917393, ClinGen allele CA129967747.
Genomic context (GRCh38, chr5:151,676,155, plus strand): 5'-GAATGAAAACAAGAAGACATGATATTTAGGTACTTACAGGGGCTGCCAAGGCCCTCCCGG[C>A]CAGGCAAAGGAGAAAGAAGATCCAGGCCCTCATGGTGCTGGGAACCCTATGGGGAGGAGA-3'
Protein context (NP_003109.1, residues 2-22): RAWIFFLLCL[Ala12Ser]GRALAAPQQE